The following is an entry in ClinVar:

NM_030962.4(SBF2):c.2807-210T>C

Genes: SBF2 (SET binding factor 2; minus strand), LOC101928008 (uncharacterized LOC101928008; plus strand). Cytogenetic location: 11p15.4.
Variant type: single nucleotide variant.
Coding change: c.2807-210T>C on transcript NM_030962.4 (MANE Select); 210 bases into the intron before coding-DNA position 2807, T replaced by C.
Molecular consequence: intron variant.
Genome position (GRCh38, 1-based): chr11:9,847,293, A>G on the plus strand (T>C on the coding strand, the complement: SBF2 is on the minus strand). VCF-style: chr11-9847293-A-G. GRCh37 (hg19) VCF-style: chr11-9868840-A-G.
Other names: c.2678-210T>C (NM_001386342.1); c.2807-210T>C (NM_001386339.1).
Identifiers: ClinVar variation 669258 (VCV000669258.1), dbSNP rs11042510, ClinGen allele CA217618949.

ClinVar aggregate classification (germline): Benign (1 of 4 stars; one submission).

Allele frequency attached by ClinVar (database versions not stated): 1000 Genomes Project 30x 0.55949; TOPMed 0.69836; 1000 Genomes Project 0.55431.
gnomAD v4.1: 108,758 of 152,016 alleles (72%); highest among the groups gnomAD compares: Non-Finnish European, 77%; 40,032 homozygotes.

Submission:

GeneDx
Classification: Benign. Last evaluated: 2018-06-14. Review status: criteria provided, single submitter. Criteria: GeneDx Variant Classification (06012015). Collection method: clinical testing. Allele origin: germline. Affected: yes.
Comment: This variant is considered likely benign or benign based on one or more of the following criteria: it is a conservative change, it occurs at a poorly conserved position in the protein, it is predicted to be benign by multiple in silico algorithms, and/or has population frequency not consistent with disease.